The following is an entry in ClinVar:

NM_001135651.3(EIF2AK2):c.1538C>T (p.Thr513Ile)

Gene: EIF2AK2 (eukaryotic translation initiation factor 2 alpha kinase 2; minus strand). Cytogenetic location: 2p22.2.
Variant type: single nucleotide variant.
Coding change: c.1538C>T on transcript NM_001135651.3 (MANE Select); coding-DNA position 1538, C replaced by T.
Protein change: p.Thr513Ile; replaces threonine 513 with isoleucine.
Molecular consequence: missense variant.
Genome position (GRCh38, 1-based): chr2:37,107,391, G>A on the plus strand (C>T on the coding strand, the complement: EIF2AK2 is on the minus strand). VCF-style: chr2-37107391-G-A. GRCh37 (hg19) VCF-style: chr2-37334534-G-A.
Other names: c.1415C>T, p.Thr472Ile (NM_001135652.3); c.1538C>T, p.Thr513Ile (NM_002759.4); short protein forms T513I, T472I.
Identifiers: ClinVar variation 1982627 (VCV001982627.3), dbSNP rs779631229, ClinGen allele CA1614951.

ClinVar aggregate classification (germline): Uncertain significance (1 of 4 stars; one submission).

Allele frequency attached by ClinVar (database versions not stated): ExAC 0.00001.
gnomAD v4.1: 1 of 1,613,334 alleles (0.000062%); highest among the groups gnomAD compares: Admixed American, 0.0017%; no homozygotes.

Submission:

Labcorp Genetics (formerly Invitae), Labcorp
Classification: Uncertain significance. Last evaluated: 2022-06-18. Review status: criteria provided, single submitter. Criteria: Invitae Variant Classification Sherloc (09022015). Collection method: clinical testing. Allele origin: germline.
Comment: This variant is present in population databases (rs779631229, gnomAD 0.003%). This variant has not been reported in the literature in individuals affected with EIF2AK2-related conditions. In summary, the available evidence is currently insufficient to determine the role of this variant in disease. Therefore, it has been classified as a Variant of Uncertain Significance. Algorithms developed to predict the effect of sequence changes on RNA splicing suggest that this variant may create or strengthen a splice site. Algorithms developed to predict the effect of missense changes on protein structure and function output the following: SIFT: "Tolerated"; PolyPhen-2: "Benign"; Align-GVGD: "Class C0". The isoleucine amino acid residue is found in multiple mammalian species, which suggests that this missense change does not adversely affect protein function. This sequence change replaces threonine, which is neutral and polar, with isoleucine, which is neutral and non-polar, at codon 513 of the EIF2AK2 protein (p.Thr513Ile).